The following is an entry in ClinVar:

NM_007186.6(CEP250):c.2288+2T>C

Genes: CEP250 (centrosomal protein 250; plus strand), CEP250-AS1 (CEP250 antisense RNA 1; minus strand). Cytogenetic location: 20q11.22.
Variant type: single nucleotide variant.
Coding change: c.2288+2T>C on transcript NM_007186.6 (MANE Select); the canonical splice donor site of the intron after coding-DNA position 2288, T replaced by C.
Molecular consequence: splice donor variant.
Genome position (GRCh38, 1-based): chr20:35,479,426, T>C. VCF-style: chr20-35479426-T-C. GRCh37 (hg19) VCF-style: chr20-34067251-T-C.
Other names: c.392+2T>C (NM_001318219.1).
Identifiers: ClinVar variation 2812342 (VCV002812342.3), dbSNP rs761253824, ClinGen allele CA9833146.
Genomic context (GRCh38, chr20:35,479,426, plus strand): 5'-CGGCTGCAGGCCGTGGAGCGTGACCGGCAGGACCTCGCTGAACAACTACAGGGGCTCAGG[T>C]AGGGCCCAGACTCAGTTCAGCCAAGCACAGAGAGAGCTTTGCAAGGCAAAGGCGTGAAGC-3'

ClinVar aggregate classification (germline): Likely pathogenic (1 of 4 stars; one submission).

Allele frequency attached by ClinVar (database versions not stated): gnomAD exomes below 0.00001; ExAC 0.00001.
gnomAD v4.1: 4 of 1,612,212 alleles (0.00025%); highest among the groups gnomAD compares: Non-Finnish European, 0.00034%; no homozygotes.

Submission:

Labcorp Genetics (formerly Invitae), Labcorp
Classification: Likely pathogenic. Last evaluated: 2023-11-27. Review status: criteria provided, single submitter. Criteria: Invitae Variant Classification Sherloc (09022015). Collection method: clinical testing. Allele origin: germline.
Comment: This sequence change affects a donor splice site in intron 18 of the CEP250 gene. It is expected to disrupt RNA splicing. Variants that disrupt the donor or acceptor splice site typically lead to a loss of protein function (PMID: 16199547), and loss-of-function variants in CEP250 are known to be pathogenic (PMID: 24780881, 29718797). This variant is present in population databases (rs761253824, gnomAD 0.0009%). This variant has not been reported in the literature in individuals affected with CEP250-related conditions. Algorithms developed to predict the effect of sequence changes on RNA splicing suggest that this variant may disrupt the consensus splice site. In summary, the currently available evidence indicates that the variant is pathogenic, but additional data are needed to prove that conclusively. Therefore, this variant has been classified as Likely Pathogenic.

Literature cited by the submitters: PubMed 16199547; PubMed 24780881; PubMed 29718797.